The following is an entry in ClinVar:

NM_000051.4(ATM):c.8585-3C>T

Genes: C11orf65 (chromosome 11 open reading frame 65; minus strand), ATM (ATM serine/threonine kinase; plus strand). Cytogenetic location: 11q22.3.
Variant type: single nucleotide variant.
Coding change: c.8585-3C>T on transcript NM_000051.4 (MANE Select); 3 bases into the intron before coding-DNA position 8585, C replaced by T.
Molecular consequence: intron variant.
Genome position (GRCh38, 1-based): chr11:108,347,276, C>T. VCF-style: chr11-108347276-C-T. GRCh37 (hg19) VCF-style: chr11-108218003-C-T.
Other names: c.8585-3C>T (NM_001351834.2); c.641-38205G>A (NM_001330368.2); c.695-11984G>A (NM_001351110.2).
Identifiers: ClinVar variation 1763927 (VCV001763927.4), dbSNP rs2088539028, ClinGen allele CA1998817811.
Genomic context (GRCh38, chr11:108,347,276, plus strand): 5'-TGGCTATATATTAGAAAGAGATGGAATCAGTGATTTCAGATTGTTTGTTTCTTTTTTCTC[C>T]AGTTGGTTACATACTTGGACTTGGTGATAGACATGTACAGAATATCTTGATAAATGAGCA-3'

ClinVar aggregate classification (germline): Uncertain significance. Review status: criteria provided, multiple submitters, no conflicts (2 of 4 stars). 3 submissions from 3 submitters: Uncertain significance (3). Last evaluated 2025-12-25.

Conditions:
Hereditary cancer-predisposing syndrome. Also called: Hereditary neoplastic syndrome; Neoplastic Syndromes, Hereditary; Tumor predisposition; Hereditary Cancer Syndrome. Identifiers: Orphanet 140162, MedGen C0027672, MeSH D009386, MONDO:0015356.
Ataxia-telangiectasia syndrome (AT). Also called: Ataxia telangiectasia (A-T); LOUIS-BAR SYNDROME; Cerebello-oculocutaneous telangiectasia; Immunodeficiency with ataxia telangiectasia; Ataxia-telangiectasia, complementation group D; AT, COMPLEMENTATION GROUP C. Identifiers: Orphanet 100, MedGen C0004135, MONDO:0008840, OMIM 208900.

Submissions (3):

Women's Health and Genetics/Laboratory Corporation of America, LabCorp
Classification: Uncertain significance. Last evaluated: 2025-12-25. Review status: criteria provided, single submitter. Criteria: LabCorp Variant Classification Summary - May 2015. Collection method: clinical testing. Allele origin: germline.

Labcorp Genetics (formerly Invitae), Labcorp
Classification: Uncertain significance for Ataxia-telangiectasia syndrome. Last evaluated: 2025-06-04. Review status: criteria provided, single submitter. Criteria: Invitae Variant Classification Sherloc (09022015). Collection method: clinical testing. Allele origin: germline.
Comment: This sequence change falls in intron 58 of the ATM gene. It does not directly change the encoded amino acid sequence of the ATM protein. It affects a nucleotide within the consensus splice site. This variant is not present in population databases (gnomAD no frequency). This variant has not been reported in the literature in individuals affected with ATM-related conditions. ClinVar contains an entry for this variant (Variation ID: 1763927). Variants that disrupt the consensus splice site are a relatively common cause of aberrant splicing (PMID: 17576681, 9536098). Algorithms developed to predict the effect of sequence changes on RNA splicing suggest that this variant is not likely to affect RNA splicing. In summary, the available evidence is currently insufficient to determine the role of this variant in disease. Therefore, it has been classified as a Variant of Uncertain Significance.

Ambry Genetics
Classification: Uncertain significance for Hereditary cancer-predisposing syndrome. Last evaluated: 2023-05-02. Review status: criteria provided, single submitter. Criteria: Ambry Variant Classification Scheme 2023. Collection method: clinical testing. Allele origin: germline.
Comment: The c.8585-3C>T intronic variant results from a C to T substitution 3 nucleotides upstream from coding exon 58 in the ATM gene. This nucleotide position is not well conserved in available vertebrate species. In silico splice site analysis predicts that this alteration will not have any significant effect on splicing. Since supporting evidence is limited at this time, the clinical significance of this alteration remains unclear.

Literature cited by the submitters: PubMed 17576681 (cited by Labcorp Genetics (formerly Invitae), Labcorp); PubMed 9536098 (cited by Labcorp Genetics (formerly Invitae), Labcorp).